The following is an entry in ClinVar:

NM_001128840.3(CACNA1D):c.1344C>T (p.Ile448=)

Gene: CACNA1D (calcium voltage-gated channel subunit alpha1 D; plus strand). Cytogenetic location: 3p21.1.
Variant type: single nucleotide variant.
Coding change: c.1344C>T on transcript NM_001128840.3 (MANE Select); coding-DNA position 1344, C replaced by T.
Protein change: p.Ile448=; no amino-acid change (isoleucine 448 retained).
Molecular consequence: synonymous variant.
Genome position (GRCh38, 1-based): chr3:53,702,764, C>T. VCF-style: chr3-53702764-C-T. GRCh37 (hg19) VCF-style: chr3-53736791-C-T.
Other names: p.Ile448=; c.1344C>T, p.Ile448= (NM_000720.4, NM_001128839.3).
Identifiers: ClinVar variation 504765 (VCV000504765.30), dbSNP rs145203578, ClinGen allele CA2453889.

ClinVar aggregate classification (germline): Likely benign. Review status: criteria provided, multiple submitters, no conflicts (2 of 4 stars). 10 submissions from 10 submitters: Likely benign (8). 2 of the submissions do not count toward it. Last evaluated 2026-08-01.

Allele frequency attached by ClinVar (database versions not stated): 1000 Genomes Project 0.00040; 1000 Genomes Project 30x 0.00047; ESP Exome Variant Server 0.00077; gnomAD 0.00105 and 0.00109; gnomAD exomes 0.00106 and 0.00134; TOPMed 0.00107; ExAC 0.00120.
gnomAD v4.1: 2,162 of 1,614,168 alleles (0.13%); highest among the groups gnomAD compares: Middle Eastern, 0.41%; 3 homozygotes.

Submissions (10):

CeGaT Center for Human Genetics Tuebingen
Classification: Likely benign. Last evaluated: 2026-08-01. Review status: criteria provided, single submitter. Criteria: CeGaT Center For Human Genetics Tuebingen Variant Classification Criteria Version 2. Collection method: clinical testing. Allele origin: germline. Affected: yes. Observed: 5 variant alleles.
Comment: CACNA1D: BP4, BP7

Labcorp Genetics (formerly Invitae), Labcorp
Classification: Likely benign. Last evaluated: 2026-01-24. Review status: criteria provided, single submitter. Criteria: Invitae Variant Classification Sherloc (09022015). Collection method: clinical testing. Allele origin: germline.

Mayo Clinic Laboratories, Mayo Clinic
Classification: Likely benign. Last evaluated: 2025-02-24. Review status: criteria provided, single submitter. Criteria: ACMG Guidelines, 2015. Collection method: clinical testing. Allele origin: germline. Observed: 2 variant alleles.
Comment: BS1, BP4, BP7

Blueprint Genetics
Classification: Likely benign. Last evaluated: 2024-11-25. Review status: criteria provided, single submitter. Criteria: ACMG Guidelines, 2015. Collection method: clinical testing. Allele origin: germline.

GeneDx
Classification: Likely benign. Last evaluated: 2020-11-18. Review status: criteria provided, single submitter. Criteria: GeneDx Variant Classification Process June 2021. Collection method: clinical testing. Allele origin: germline. Affected: yes.

Genetic Services Laboratory, University of Chicago
Classification: Likely benign. Last evaluated: 2019-05-02. Review status: criteria provided, single submitter. Criteria: ACMG Guidelines, 2015. Collection method: clinical testing. Allele origin: germline. Affected: no.

Laboratory for Molecular Medicine, Mass General Brigham Personalized Medicine
Classification: Likely benign. Last evaluated: 2016-06-02. Review status: criteria provided, single submitter. Criteria: LMM Criteria. Collection method: clinical testing. Allele origin: germline. Observed: 3 variant alleles.
Comment: p.Ile448Ile in exon 9 of CACNA1D: This variant is not expected to have clinical significance because it does not alter an amino acid residue and is not located within the splice consensus sequence. It has been identified in 0.2% (115/66702) of European chromosomes by the Exome Aggregation Consortium (ExAC.; dbSNP rs145203578).

Breakthrough Genomics
Classification: Likely benign. Review status: criteria provided, single submitter. Criteria: ACMG Guidelines, 2015. Collection method: not provided. Allele origin: germline. Inheritance: Autosomal recessive inheritance. Affected: yes.

Clinical Genetics DNA and cytogenetics Diagnostics Lab, Erasmus MC, Erasmus Medical Center
Classification: Likely benign. Review status: no assertion criteria provided. Collection method: clinical testing. Allele origin: germline. Affected: yes. Study: VKGL Data-share Consensus. Not counted in ClinVar's aggregate classification.

Clinical Genetics, Academic Medical Center
Classification: Benign. Review status: no assertion criteria provided. Collection method: clinical testing. Allele origin: germline. Affected: yes. Study: VKGL Data-share Consensus. Not counted in ClinVar's aggregate classification.